The following is an entry in ClinVar:

NM_000037.4(ANK1):c.4665G>A (p.Thr1555=)

Gene: ANK1 (ankyrin 1; minus strand). Cytogenetic location: 8p11.21.
Variant type: single nucleotide variant.
Coding change: c.4665G>A on transcript NM_000037.4 (MANE Select); coding-DNA position 4665, G replaced by A.
Protein change: p.Thr1555=; no amino-acid change (threonine 1555 retained).
Molecular consequence: synonymous variant. On other transcripts: intron variant (1).
Genome position (GRCh38, 1-based): chr8:41,672,785, C>T on the plus strand (G>A on the coding strand, the complement: ANK1 is on the minus strand). VCF-style: chr8-41672785-C-T. GRCh37 (hg19) VCF-style: chr8-41530303-C-T.
Other names: p.Thr1555=; c.4788G>A, p.Thr1596= (NM_001142446.2); c.4665G>A, p.Thr1555= (NM_020475.3, NM_020476.3); c.4538-359G>A (NM_020477.3).
Identifiers: ClinVar variation 734718 (VCV000734718.7), dbSNP rs372732341, ClinGen allele CA4727464.

ClinVar aggregate classification (germline): Likely benign. Review status: criteria provided, multiple submitters, no conflicts (2 of 4 stars). 2 submissions from 2 submitters: Likely benign (2). Last evaluated 2025-07-17.

Allele frequency attached by ClinVar (database versions not stated): gnomAD 0.00009 and 0.00011; gnomAD exomes 0.00013; ESP Exome Variant Server 0.00031; TOPMed 0.00015; ExAC 0.00017.
gnomAD v4.1: 212 of 1,603,640 alleles (0.013%); highest among the groups gnomAD compares: Middle Eastern, 0.05%; no homozygotes.

Submissions (2):

Mayo Clinic Laboratories, Mayo Clinic
Classification: Likely benign. Last evaluated: 2025-07-17. Review status: criteria provided, single submitter. Criteria: ACMG Guidelines, 2015. Collection method: clinical testing. Allele origin: germline. Observed: 2 variant alleles.
Comment: BS1, BP4, BP7

Labcorp Genetics (formerly Invitae), Labcorp
Classification: Likely benign. Last evaluated: 2025-05-22. Review status: criteria provided, single submitter. Criteria: Invitae Variant Classification Sherloc (09022015). Collection method: clinical testing. Allele origin: germline.